The following is an entry in ClinVar:

ClinVar aggregate classification (germline): Uncertain significance (1 of 4 stars; one submission).

Conditions:
Lowe syndrome (OCRL). Also called: LOWE OCULOCEREBRORENAL SYNDROME; PHOSPHATIDYLINOSITOL 4,5-BISPHOSPHATE 5-PHOSPHATASE DEFICIENCY; Oculocerebrorenal Syndrome. Identifiers: Orphanet 534, MedGen C0028860, MONDO:0010645, OMIM 309000.

Submission:

Labcorp Genetics (formerly Invitae), Labcorp
Classification: Uncertain significance for Lowe syndrome. Last evaluated: 2022-09-01. Review status: criteria provided, single submitter. Criteria: Invitae Variant Classification Sherloc (09022015). Collection method: clinical testing. Allele origin: germline.
Comment: In summary, the available evidence is currently insufficient to determine the role of this variant in disease. Therefore, it has been classified as a Variant of Uncertain Significance. This variant has not been reported in the literature in individuals affected with OCRL-related conditions. This variant results in a copy number gain of the genomic region encompassing exon(s) 1-3 of the OCRL gene. This region includes the initiator codon of the gene. This copy number gain extends beyond the assayed region for this gene and therefore may encompass additional genes. As the precise location of this event is unknown, it may be in tandem or it may be located elsewhere in the genome.

NC_000023.10:g.(?_128674417)_(128679034_?)dup

Gene: OCRL (OCRL inositol polyphosphate-5-phosphatase; plus strand). Cytogenetic location: Xq25.
Variant type: Duplication.
Identifiers: ClinVar variation 2422787 (VCV002422787.4).